The following is an entry in ClinVar:

NM_000393.5(COL5A2):c.3823C>G (p.Leu1275Val)

Gene: COL5A2 (collagen type V alpha 2 chain; minus strand). Cytogenetic location: 2q32.2.
Variant type: single nucleotide variant.
Coding change: c.3823C>G on transcript NM_000393.5 (MANE Select); coding-DNA position 3823, C replaced by G.
Protein change: p.Leu1275Val; replaces leucine 1275 with valine.
Molecular consequence: missense variant.
Genome position (GRCh38, 1-based): chr2:189,039,374, G>C on the plus strand (C>G on the coding strand, the complement: COL5A2 is on the minus strand). VCF-style: chr2-189039374-G-C. GRCh37 (hg19) VCF-style: chr2-189904100-G-C.
Other names: short protein forms L1275V.
Identifiers: ClinVar variation 2412877 (VCV002412877.3), dbSNP rs570175207, ClinGen allele CA349857695.

ClinVar aggregate classification (germline): Uncertain significance (1 of 4 stars; one submission).

Submission:

GeneDx
Classification: Uncertain significance. Last evaluated: 2022-07-29. Review status: criteria provided, single submitter. Criteria: GeneDx Variant Classification Process June 2021. Collection method: clinical testing. Allele origin: germline. Affected: yes.
Comment: Has not been previously published as pathogenic or benign to our knowledge; Not observed at significant frequency in large population cohorts (gnomAD); Not located in the triple helical region, where the majority of pathogenic missense variants occur (Symoens et al., 2012; HGMD); In silico analysis supports that this missense variant does not alter protein structure/function